The following is an entry in ClinVar:

ClinVar aggregate classification (germline): Uncertain significance (1 of 4 stars; one submission).

Conditions:
Charcot-Marie-Tooth disease type 4. Also called: Charcot-Marie-Tooth disease, type IV; Charcot-Marie-Tooth, Type 4. Identifiers: Orphanet 64749, MedGen C4082197, MONDO:0018995.

Allele frequency attached by ClinVar (database versions not stated): gnomAD exomes below 0.00001; TOPMed below 0.00001; ExAC 0.00001.

Submission:

Labcorp Genetics (formerly Invitae), Labcorp
Classification: Uncertain significance for Charcot-Marie-Tooth disease type 4. Last evaluated: 2019-06-17. Review status: criteria provided, single submitter. Criteria: Invitae Variant Classification Sherloc (09022015). Collection method: clinical testing. Allele origin: germline.
Comment: In summary, the available evidence is currently insufficient to determine the role of this variant in disease. Therefore, it has been classified as a Variant of Uncertain Significance. Algorithms developed to predict the effect of missense changes on protein structure and function (SIFT, PolyPhen-2, Align-GVGD) all suggest that this variant is likely to be tolerated, but these predictions have not been confirmed by published functional studies and their clinical significance is uncertain. This variant has not been reported in the literature in individuals with SH3TC2-related conditions. This variant is present in population databases (rs777133915, ExAC 0.002%). This sequence change replaces tryptophan with leucine at codon 408 of the SH3TC2 protein (p.Trp408Leu). The tryptophan residue is highly conserved and there is a small physicochemical difference between tryptophan and leucine.

NM_024577.4(SH3TC2):c.1223G>T (p.Trp408Leu)

Gene: SH3TC2 (SH3 domain and tetratricopeptide repeats 2; minus strand). Cytogenetic location: 5q32.
Variant type: single nucleotide variant.
Coding change: c.1223G>T on transcript NM_024577.4 (MANE Select); coding-DNA position 1223, G replaced by T.
Protein change: p.Trp408Leu; replaces tryptophan 408 with leucine.
Molecular consequence: missense variant.
Genome position (GRCh38, 1-based): chr5:149,028,509, C>A on the plus strand (G>T on the coding strand, the complement: SH3TC2 is on the minus strand). VCF-style: chr5-149028509-C-A. GRCh37 (hg19) VCF-style: chr5-148408072-C-A.
Other names: short protein forms W408L.
Identifiers: ClinVar variation 946670 (VCV000946670.9), dbSNP rs777133915, ClinGen allele CA3499226.